The following is an entry in ClinVar:

NM_001999.4(FBN2):c.1841A>T (p.Asn614Ile)

Gene: FBN2 (fibrillin 2; minus strand). Cytogenetic location: 5q23.3.
Variant type: single nucleotide variant.
Coding change: c.1841A>T on transcript NM_001999.4 (MANE Select); coding-DNA position 1841, A replaced by T.
Protein change: p.Asn614Ile; replaces asparagine 614 with isoleucine.
Molecular consequence: missense variant.
Genome position (GRCh38, 1-based): chr5:128,377,760, T>A on the plus strand (A>T on the coding strand, the complement: FBN2 is on the minus strand). VCF-style: chr5-128377760-T-A. GRCh37 (hg19) VCF-style: chr5-127713453-T-A.
Other names: short protein forms N614I.
Identifiers: ClinVar variation 213279 (VCV000213279.4), dbSNP rs770876270, ClinGen allele CA319996.

ClinVar aggregate classification (germline): Conflicting classifications of pathogenicity. Review status: criteria provided, conflicting classifications (1 of 4 stars). 2 submissions from 2 submitters: Uncertain significance (1); Likely benign (1). Last evaluated 2024-12-27.

Conditions:
Congenital contractural arachnodactyly (CCA). Also called: Beals-Hecht syndrome; BEALS SYNDROME; Arthrogryposis, distal, type 9. Identifiers: Orphanet 115, MedGen C0220668, MONDO:0007363, OMIM 121050.

Allele frequency attached by ClinVar (database versions not stated): gnomAD exomes 0.00001; ExAC 0.00002.
gnomAD v4.1: 10 of 1,613,416 alleles (0.00062%); highest among the groups gnomAD compares: South Asian, 0.0099%; no homozygotes.

Submissions (2):

Labcorp Genetics (formerly Invitae), Labcorp
Classification: Likely benign for Congenital contractural arachnodactyly. Last evaluated: 2024-12-27. Review status: criteria provided, single submitter. Criteria: Invitae Variant Classification Sherloc (09022015). Collection method: clinical testing. Allele origin: germline.

GeneDx
Classification: Uncertain significance. Last evaluated: 2017-09-21. Review status: criteria provided, single submitter. Criteria: GeneDx Variant Classification (06012015). Collection method: clinical testing. Allele origin: germline. Affected: yes.
Comment: p.Asn614Ile (AAC>ATC): c.1841 A>T in exon 13 of the FBN2 gene (NM_001999.3) The N614I variant has not been published as a mutation, nor has it been reported as a benign polymorphism to our knowledge. The N614I variant was not observed in approximately 6,500 individuals of European and African American ancestry in the NHLBI Exome Sequencing Project, indicating it is not a common benign variant in these populations. The N614I variant is a non-conservative amino acid substitution, which is likely to impact secondary protein structure as these residues differ in polarity, charge, size and/or other properties. This substitution occurs at a position that is conserved across species. In silico analysis predicts this variant is probably damaging to the protein structure/function. However, missense mutations in nearby residues have not been reported, indicating this region of the protein may tolerate change. Therefore, based on the currently available information, it is unclear whether this variant is a pathogenic mutation or a rare benign variant. This variant was found in TAADV2-1,FBN2